The following is an entry in ClinVar:

ClinVar aggregate classification (germline): Benign/Likely benign. Review status: criteria provided, multiple submitters, no conflicts (2 of 4 stars). 2 submissions from 2 submitters: Benign (1); Likely benign (1). Last evaluated 2026-02-01.

Conditions:
Spastic paraplegia. Identifiers: MedGen C0037772, HP:0001258.

Allele frequency attached by ClinVar (database versions not stated): gnomAD 0.00009.
gnomAD v4.1: 32 of 1,208,328 alleles (0.0026%); highest among the groups gnomAD compares: African/African-American, 0.0052%; no homozygotes.

Submissions (2):

CeGaT Center for Human Genetics Tuebingen
Classification: Likely benign. Last evaluated: 2026-02-01. Review status: criteria provided, single submitter. Criteria: CeGaT Center For Human Genetics Tuebingen Variant Classification Criteria Version 2. Collection method: clinical testing. Allele origin: germline. Affected: yes. Observed: 1 variant allele.
Comment: L1CAM: BP4, BS2

Labcorp Genetics (formerly Invitae), Labcorp
Classification: Benign for Spastic paraplegia. Last evaluated: 2026-01-19. Review status: criteria provided, single submitter. Criteria: Invitae Variant Classification Sherloc (09022015). Collection method: clinical testing. Allele origin: germline.

NM_001278116.2(L1CAM):c.3322+8G>A

Gene: L1CAM (L1 cell adhesion molecule; minus strand). Cytogenetic location: Xq28.
Variant type: single nucleotide variant.
Coding change: c.3322+8G>A on transcript NM_001278116.2 (MANE Select); 8 bases into the intron after coding-DNA position 3322, G replaced by A.
Molecular consequence: intron variant.
Genome position (GRCh38, 1-based): chrX:153,864,314, C>T on the plus strand (G>A on the coding strand, the complement: L1CAM is on the minus strand). VCF-style: chrX-153864314-C-T. GRCh37 (hg19) VCF-style: chrX-153129769-C-T.
Other names: c.3307+8G>A (NM_001143963.2); c.3322+8G>A (NM_024003.3, NM_000425.5).
Identifiers: ClinVar variation 2770857 (VCV002770857.7), dbSNP rs200991619, ClinGen allele CA10553994.